The following is an entry in ClinVar:

ClinVar aggregate classification (germline): Uncertain significance (1 of 4 stars; one submission).

gnomAD v4.1: 1 of 1,536,896 alleles (0.000065%); highest among the groups gnomAD compares: Non-Finnish European, 0.000087%; no homozygotes.

Submission:

Labcorp Genetics (formerly Invitae), Labcorp
Classification: Uncertain significance. Last evaluated: 2025-11-10. Review status: criteria provided, single submitter. Criteria: Invitae Variant Classification Sherloc (09022015). Collection method: clinical testing. Allele origin: germline.
Comment: This sequence change falls in intron 9 of the GCGR gene. It does not directly change the encoded amino acid sequence of the GCGR protein. It affects a nucleotide within the consensus splice site. This variant is not present in population databases (gnomAD no frequency). This variant has not been reported in the literature in individuals affected with GCGR-related conditions. Variants that disrupt the consensus splice site are a relatively common cause of aberrant splicing (PMID: 17576681, 9536098). Algorithms developed to predict the effect of sequence changes on RNA splicing suggest that this variant is not likely to affect RNA splicing. In summary, the available evidence is currently insufficient to determine the role of this variant in disease. Therefore, it has been classified as a Variant of Uncertain Significance.

Literature cited by the submitters: PubMed 17576681; PubMed 9536098.

NM_000160.5(GCGR):c.878+3G>A

Gene: GCGR (glucagon receptor; plus strand). Cytogenetic location: 17q25.3.
Variant type: single nucleotide variant.
Coding change: c.878+3G>A on transcript NM_000160.5 (MANE Select); 3 bases into the intron after coding-DNA position 878, G replaced by A.
Molecular consequence: intron variant.
Genome position (GRCh38, 1-based): chr17:81,811,949, G>A. VCF-style: chr17-81811949-G-A. GRCh37 (hg19) VCF-style: chr17-79769825-G-A.
Identifiers: ClinVar variation 4773609 (VCV004773609.1).
Genomic context (GRCh38, chr17:81,811,949, plus strand): 5'-CCCCCATGCTGTTCGTCGTCCCCTGGGCAGTGGTCAAGTGTCTGTTCGAGAACGTCCAGT[G>A]AGTATGAGCGGCTGGACAGCCTGGGGAGGGACCGGGGGGCTGGGGTGCGGCGCTCTGGCC-3'